The following is an entry in ClinVar:

NM_018482.4(ASAP1):c.3162G>A (p.Thr1054=)

Gene: ASAP1 (ArfGAP with SH3 domain, ankyrin repeat and PH domain 1; minus strand). Cytogenetic location: 8q24.21.
Variant type: single nucleotide variant.
Coding change: c.3162G>A on transcript NM_018482.4 (MANE Select); coding-DNA position 3162, G replaced by A.
Protein change: p.Thr1054=; no amino-acid change (threonine 1054 retained).
Molecular consequence: synonymous variant.
Genome position (GRCh38, 1-based): chr8:130,060,609, C>T on the plus strand (G>A on the coding strand, the complement: ASAP1 is on the minus strand). VCF-style: chr8-130060609-C-T. GRCh37 (hg19) VCF-style: chr8-131072855-C-T.
Other names: c.3141G>A, p.Thr1047= (NM_001247996.2); c.3171G>A, p.Thr1057= (NM_001362924.1); c.3000G>A, p.Thr1000= (NM_001362925.2); c.2991G>A, p.Thr997= (NM_001362926.2).
Identifiers: ClinVar variation 2658816 (VCV002658816.24), dbSNP rs140674458, ClinGen allele CA4876574.

ClinVar aggregate classification (germline): Likely benign (1 of 4 stars; one submission).

Allele frequency attached by ClinVar (database versions not stated): 1000 Genomes Project 30x 0.00094; 1000 Genomes Project 0.00100; gnomAD 0.00151; TOPMed 0.00152; ESP Exome Variant Server 0.00192.
gnomAD v4.1: 3,949 of 1,613,584 alleles (0.24%); highest among the groups gnomAD compares: South Asian, 0.28%; 11 homozygotes.

Submission:

CeGaT Center for Human Genetics Tuebingen
Classification: Likely benign. Last evaluated: 2023-03-01. Review status: criteria provided, single submitter. Criteria: CeGaT Center For Human Genetics Tuebingen Variant Classification Criteria Version 2. Collection method: clinical testing. Allele origin: germline. Affected: yes. Observed: 1 variant allele.
Comment: ASAP1: BP4, BP7